The following is an entry in ClinVar:

NM_000057.4(BLM):c.2785G>A (p.Glu929Lys)

Gene: BLM (BLM RecQ like helicase; plus strand). Cytogenetic location: 15q26.1.
Variant type: single nucleotide variant.
Coding change: c.2785G>A on transcript NM_000057.4 (MANE Select); coding-DNA position 2785, G replaced by A.
Protein change: p.Glu929Lys; replaces glutamic acid 929 with lysine.
Molecular consequence: missense variant.
Genome position (GRCh38, 1-based): chr15:90,785,043, G>A. VCF-style: chr15-90785043-G-A. GRCh37 (hg19) VCF-style: chr15-91328273-G-A.
Other names: c.2785G>A, p.Glu929Lys (NM_001287246.2, NM_001287247.2); c.1660G>A, p.Glu554Lys (NM_001287248.2); short protein forms E554K, E929K.
Identifiers: ClinVar variation 3224318 (VCV003224318.1), dbSNP rs2505502105, ClinGen allele CA393846106.

ClinVar aggregate classification (germline): Uncertain significance (1 of 4 stars; one submission).

Conditions:
Hereditary cancer-predisposing syndrome. Also called: Tumor predisposition; Hereditary neoplastic syndrome; Hereditary Cancer Syndrome; Neoplastic Syndromes, Hereditary. Identifiers: Orphanet 140162, MedGen C0027672, MeSH D009386, MONDO:0015356.

Allele frequency attached by ClinVar (database versions not stated): gnomAD exomes below 0.00001.
gnomAD v4.1: 1 of 1,614,166 alleles (0.000062%); highest among the groups gnomAD compares: South Asian, 0.0011%; no homozygotes.

Submission:

Ambry Genetics
Classification: Uncertain significance for Hereditary cancer-predisposing syndrome. Last evaluated: 2023-11-23. Review status: criteria provided, single submitter. Criteria: Ambry Variant Classification Scheme 2023. Collection method: clinical testing. Allele origin: germline.
Comment: The p.E929K variant (also known as c.2785G>A), located in coding exon 13 of the BLM gene, results from a G to A substitution at nucleotide position 2785. The glutamic acid at codon 929 is replaced by lysine, an amino acid with similar properties. This amino acid position is conserved. In addition, this alteration is predicted to be tolerated by in silico analysis. Since supporting evidence is limited at this time, the clinical significance of this alteration remains unclear.